The following is an entry in ClinVar:

ClinVar aggregate classification (germline): Conflicting classifications of pathogenicity. Review status: criteria provided, conflicting classifications (1 of 4 stars). 2 submissions from 2 submitters: Uncertain significance (1); Likely benign (1). Last evaluated 2026-09-21.

gnomAD v4.1: 2 of 1,611,940 alleles (0.00012%); highest among the groups gnomAD compares: Non-Finnish European, 0.00017%; no homozygotes.

Submissions (2):

Molecular Diagnostic Laboratory for Inherited Cardiovascular Disease, Montreal Heart Institute
Classification: Likely benign. Last evaluated: 2026-09-21. Review status: criteria provided, single submitter. Criteria: ACMG Guidelines, 2015. Collection method: clinical testing. Allele origin: germline. Affected: no.
Comment: BP1

GeneDx
Classification: Uncertain significance. Last evaluated: 2025-05-12. Review status: criteria provided, single submitter. Criteria: GeneDx Variant Classification Process June 2021. Collection method: clinical testing. Allele origin: germline. Affected: yes.
Comment: Not observed at significant frequency in large population cohorts (gnomAD); Missense variant in a gene in which most reported pathogenic variants are truncating/loss of function; Has not been previously published as pathogenic or benign to our knowledge

NM_001267550.2(TTN):c.33397G>C (p.Glu11133Gln)

Gene: TTN (titin; minus strand). Cytogenetic location: 2q31.2.
Variant type: single nucleotide variant.
Coding change: c.33397G>C on transcript NM_001267550.2 (MANE Select); coding-DNA position 33397, G replaced by C.
Protein change: p.Glu11133Gln; replaces glutamic acid 11133 with glutamine.
Molecular consequence: missense variant. On other transcripts: intron variant (3).
Genome position (GRCh38, 1-based): chr2:178,680,275, C>G on the plus strand (G>C on the coding strand, the complement: TTN is on the minus strand). VCF-style: chr2-178680275-C-G. GRCh37 (hg19) VCF-style: chr2-179545002-C-G.
Other names: c.32446G>C, p.Glu10816Gln (NM_001256850.1); c.29665G>C, p.Glu9889Gln (NM_133378.4); c.13283-37958G>C (NM_003319.4); c.13859-37958G>C (NM_133437.4); c.13658-37958G>C (NM_133432.3); short protein forms E10816Q, E11133Q, E9889Q.
Identifiers: ClinVar variation 4529885 (VCV004529885.2), dbSNP rs976161757.
Genomic context (GRCh38, chr2:178,680,275, plus strand): 5'-AAAGACGAACAAAACATTAAAATGAGTGCCATTAGGTACCTCTAACAGGTGGTGCTACTT[C>G]TTTTCTAGGGACAGGTACTTTTTCTTCTGCGACAACCCTCTTGGGCTTCATGGGCACTTG-3'
Protein context (NP_001254479.2, residues 11123-11143): AEEKVPVPRK[Glu11133Gln]VAPPVRVPEV